The following is an entry in ClinVar:

ClinVar aggregate classification (germline): Likely benign (0 of 4 stars; one submission).

Conditions:
SEMA3D-related disorder. Also called: SEMA3D-related condition.

Allele frequency attached by ClinVar (database versions not stated): gnomAD exomes below 0.00001; ExAC 0.00001.
gnomAD v4.1: 1 of 1,612,382 alleles (0.000062%); highest among the groups gnomAD compares: Admixed American, 0.0017%; no homozygotes.

Submission:

PreventionGenetics, part of Exact Sciences
Classification: Likely benign for SEMA3D-related condition. Last evaluated: 2023-02-16. Review status: no assertion criteria provided. Collection method: clinical testing. Allele origin: germline.
Comment: This variant is classified as likely benign based on ACMG/AMP sequence variant interpretation guidelines (Richards et al. 2015 PMID: 25741868, with internal and published modifications).

NM_001384900.1(SEMA3D):c.1068T>C (p.Ala356=)

Gene: SEMA3D (semaphorin 3D; minus strand). Cytogenetic location: 7q21.11.
Variant type: single nucleotide variant.
Coding change: c.1068T>C on transcript NM_001384900.1 (MANE Select); coding-DNA position 1068, T replaced by C.
Protein change: p.Ala356=; no amino-acid change (alanine 356 retained).
Molecular consequence: synonymous variant.
Genome position (GRCh38, 1-based): chr7:85,037,012, A>G on the plus strand (T>C on the coding strand, the complement: SEMA3D is on the minus strand). VCF-style: chr7-85037012-A-G. GRCh37 (hg19) VCF-style: chr7-84666328-A-G.
Other names: c.1068T>C, p.Ala356= (NM_001384901.1, NM_001384902.1, NM_001384903.1 and 1 more transcripts).
Identifiers: ClinVar variation 3031992 (VCV003031992.2), dbSNP rs774676901, ClinGen allele CA4323520.